The following is an entry in ClinVar:

NM_001999.4(FBN2):c.226C>G (p.Arg76Gly)

Gene: FBN2 (fibrillin 2; minus strand). Cytogenetic location: 5q23.3.
Variant type: single nucleotide variant.
Coding change: c.226C>G on transcript NM_001999.4 (MANE Select); coding-DNA position 226, C replaced by G.
Protein change: p.Arg76Gly; replaces arginine 76 with glycine.
Molecular consequence: missense variant.
Genome position (GRCh38, 1-based): chr5:128,537,378, G>C on the plus strand (C>G on the coding strand, the complement: FBN2 is on the minus strand). VCF-style: chr5-128537378-G-C. GRCh37 (hg19) VCF-style: chr5-127873071-G-C.
Other names: short protein forms R76G.
Identifiers: ClinVar variation 3849198 (VCV003849198.1).
Genomic context (GRCh38, chr5:128,537,378, plus strand): 5'-AGCCCTAGGTGCGGAGCCGCTTGCCCACTTACCCTCGGAGCACGTCCTGCTGTCCTCGCC[G>C]GCGGACGCGGCTGGCCACTGCGGCACCCTCCTCGCGATACTCGGGCGCTAGAAACCCGCC-3'
Protein context (NP_001990.2, residues 66-86): EGAAVASRVR[Arg76Gly]RGQQDVLRGP

ClinVar aggregate classification (germline): Uncertain significance (1 of 4 stars; one submission).

Conditions:
Familial thoracic aortic aneurysm and aortic dissection (TAAD). Also called: Thoracic aortic aneurysms and dissections. Identifiers: Orphanet 91387, MedGen C4707243, MONDO:0019625.

gnomAD v4.1: 3 of 1,610,584 alleles (0.00019%); highest among the groups gnomAD compares: South Asian, 0.0011%; no homozygotes.

Submission:

Ambry Genetics
Classification: Uncertain significance for Familial thoracic aortic aneurysm and aortic dissection. Last evaluated: 2024-12-28. Review status: criteria provided, single submitter. Criteria: Ambry Variant Classification Scheme 2023. Collection method: clinical testing. Allele origin: germline.
Comment: The p.R76G variant (also known as c.226C>G), located in coding exon 1 of the FBN2 gene, results from a C to G substitution at nucleotide position 226. The arginine at codon 76 is replaced by glycine, an amino acid with dissimilar properties. This amino acid position is highly conserved in available vertebrate species. In addition, the in silico prediction for this alteration is inconclusive. Based on the available evidence, the clinical significance of this variant remains unclear.